The following is an entry in ClinVar:

NM_001098272.3(HMGCS1):c.1541T>C (p.Val514Ala)

Gene: HMGCS1 (3-hydroxy-3-methylglutaryl-CoA synthase 1; minus strand). Cytogenetic location: 5p12.
Variant type: single nucleotide variant.
Coding change: c.1541T>C on transcript NM_001098272.3 (MANE Select); coding-DNA position 1541, T replaced by C.
Protein change: p.Val514Ala; replaces valine 514 with alanine.
Molecular consequence: missense variant.
Genome position (GRCh38, 1-based): chr5:43,291,153, A>G on the plus strand (T>C on the coding strand, the complement: HMGCS1 is on the minus strand). VCF-style: chr5-43291153-A-G. GRCh37 (hg19) VCF-style: chr5-43291255-A-G.
Other names: c.1541T>C, p.Val514Ala (NM_001324219.2, NM_001324220.2, NM_001330663.2 and 2 more transcripts); c.1415T>C, p.Val472Ala (NM_001324222.2, NM_001324223.2, NM_001324224.2); short protein forms V472A, V514A.
Identifiers: ClinVar variation 5040298 (VCV005040298.1).

ClinVar aggregate classification (germline): Likely benign (1 of 4 stars; one submission).

gnomAD v4.1: 2 of 1,464,558 alleles (0.00014%); highest among the groups gnomAD compares: South Asian, 0.0022%; no homozygotes.

Submission:

CeGaT Center for Human Genetics Tuebingen
Classification: Likely benign. Last evaluated: 2026-07-01. Review status: criteria provided, single submitter. Criteria: CeGaT Center For Human Genetics Tuebingen Variant Classification Criteria Version 2. Collection method: clinical testing. Allele origin: germline. Affected: yes. Observed: 1 variant allele.
Comment: HMGCS1: BP4